The following is an entry in ClinVar:

NM_133259.4(LRPPRC):c.1915A>G (p.Ile639Val)

Gene: LRPPRC (leucine rich pentatricopeptide repeat containing; minus strand). Cytogenetic location: 2p21.
Variant type: single nucleotide variant.
Coding change: c.1915A>G on transcript NM_133259.4 (MANE Select); coding-DNA position 1915, A replaced by G.
Protein change: p.Ile639Val; replaces isoleucine 639 with valine.
Molecular consequence: missense variant.
Genome position (GRCh38, 1-based): chr2:43,948,127, T>C on the plus strand (A>G on the coding strand, the complement: LRPPRC is on the minus strand). VCF-style: chr2-43948127-T-C. GRCh37 (hg19) VCF-style: chr2-44175266-T-C.
Other names: p.I639V:ATT>GTT; short protein forms I639V.
Identifiers: ClinVar variation 214588 (VCV000214588.1), dbSNP rs863224050, ClinGen allele CA323630.

ClinVar aggregate classification (germline): Likely benign (1 of 4 stars; one submission).

gnomAD v4.1: 2 of 1,580,944 alleles (0.00013%); highest among the groups gnomAD compares: South Asian, 0.0022%; no homozygotes.

Submission:

GeneDx
Classification: Likely benign. Last evaluated: 2014-02-20. Review status: criteria provided, single submitter. Criteria: GeneDx Variant Classification (06012015). Collection method: clinical testing. Allele origin: germline. Affected: yes.
Comment: This variant is considered likely benign or benign based on one or more of the following criteria: it is a conservative change, it occurs at a poorly conserved position in the protein, it is predicted to be benign by multiple in silico algorithms, and/or has population frequency not consistent with disease.